The following is an entry in ClinVar:

NM_020778.5(ALPK3):c.896C>T (p.Ala299Val)

Gene: ALPK3 (alpha kinase 3; plus strand). Cytogenetic location: 15q25.3.
Variant type: single nucleotide variant.
Coding change: c.896C>T on transcript NM_020778.5 (MANE Select); coding-DNA position 896, C replaced by T.
Protein change: p.Ala299Val; replaces alanine 299 with valine.
Molecular consequence: missense variant.
Genome position (GRCh38, 1-based): chr15:84,840,175, C>T. VCF-style: chr15-84840175-C-T. GRCh37 (hg19) VCF-style: chr15-85383406-C-T.
Other names: short protein forms A299V.
Identifiers: ClinVar variation 1972158 (VCV001972158.5), dbSNP rs144518681, ClinGen allele CA393373732.
Genomic context (GRCh38, chr15:84,840,175, plus strand): 5'-AGGCTGCCCCCGAGAATGGAGAGGACGGAGAGCATGGCTTGCTGACATACATCTGTGACG[C>T]CATGGAGCTGGGGCCTCAGAGAGCCCTCAAAGAGGAGAGTGGGGCCAAGAAGAAAAAGAA-3'
Protein context (NP_065829.4, residues 289-309): EHGLLTYICD[Ala299Val]MELGPQRALK

ClinVar aggregate classification (germline): Uncertain significance (1 of 4 stars; one submission).

gnomAD v4.1: 1 of 1,613,594 alleles (0.000062%); highest among the groups gnomAD compares: Non-Finnish European, 0.000085%; no homozygotes.

Submission:

Labcorp Genetics (formerly Invitae), Labcorp
Classification: Uncertain significance. Last evaluated: 2022-09-15. Review status: criteria provided, single submitter. Criteria: Invitae Variant Classification Sherloc (09022015). Collection method: clinical testing. Allele origin: germline.
Comment: This sequence change replaces alanine, which is neutral and non-polar, with valine, which is neutral and non-polar, at codon 501 of the ALPK3 protein (p.Ala501Val). This variant is not present in population databases (gnomAD no frequency). This variant has not been reported in the literature in individuals affected with ALPK3-related conditions. Advanced modeling of protein sequence and biophysical properties (such as structural, functional, and spatial information, amino acid conservation, physicochemical variation, residue mobility, and thermodynamic stability) performed at Invitae indicates that this missense variant is not expected to disrupt ALPK3 protein function. In summary, the available evidence is currently insufficient to determine the role of this variant in disease. Therefore, it has been classified as a Variant of Uncertain Significance.